The following is an entry in ClinVar:

ClinVar aggregate classification (germline): Uncertain significance (1 of 4 stars; one submission).

Allele frequency attached by ClinVar (database versions not stated): TOPMed below 0.00001.

Submission:

GeneDx
Classification: Uncertain significance. Last evaluated: 2019-07-24. Review status: criteria provided, single submitter. Criteria: GeneDx Variant Classification Process June 2021. Collection method: clinical testing. Allele origin: germline. Affected: yes.
Comment: Not observed in large population cohorts (Lek et al., 2016); In silico analysis, which includes protein predictors and evolutionary conservation, supports that this variant does not alter protein structure/function; Has not been previously published as pathogenic or benign to our knowledge

NM_006231.4(POLE):c.5290G>T (p.Ala1764Ser)

Gene: POLE (DNA polymerase epsilon, catalytic subunit; minus strand). Cytogenetic location: 12q24.33.
Variant type: single nucleotide variant.
Coding change: c.5290G>T on transcript NM_006231.4 (MANE Select); coding-DNA position 5290, G replaced by T.
Protein change: p.Ala1764Ser; replaces alanine 1764 with serine.
Molecular consequence: missense variant.
Genome position (GRCh38, 1-based): chr12:132,641,735, C>A on the plus strand (G>T on the coding strand, the complement: POLE is on the minus strand). VCF-style: chr12-132641735-C-A. GRCh37 (hg19) VCF-style: chr12-133218321-C-A.
Other names: short protein forms A1764S.
Identifiers: ClinVar variation 1307419 (VCV001307419.2), dbSNP rs1315730296, ClinGen allele CA387376120.
Genomic context (GRCh38, chr12:132,641,735, plus strand): 5'-CATCGTAGCTGGCCGGGGCACTGGCAGCCTGACCACCCGTGATCATGTCCTCCAGGGAGG[C>A]CTGCTGGATCACGTCGAAGCTGATCCCCATGCTGTCGGCCCCCTCCATGTCGTTGACATG-3'
Protein context (NP_006222.2, residues 1754-1774): MGISFDVIQQ[Ala1764Ser]SLEDMITGGQ